The following is an entry in ClinVar:

NM_005045.4(RELN):c.1361T>C (p.Leu454Pro)

Genes: RELN (reelin; minus strand), LOC126860131 (MED14-independent group 3 enhancer GRCh37_chr7:103301048-103302247; plus strand). Cytogenetic location: 7q22.1.
Variant type: single nucleotide variant.
Coding change: c.1361T>C on transcript NM_005045.4 (MANE Select); coding-DNA position 1361, T replaced by C.
Protein change: p.Leu454Pro; replaces leucine 454 with proline.
Molecular consequence: missense variant.
Genome position (GRCh38, 1-based): chr7:103,661,456, A>G on the plus strand (T>C on the coding strand, the complement: RELN is on the minus strand). VCF-style: chr7-103661456-A-G. GRCh37 (hg19) VCF-style: chr7-103301903-A-G.
Other names: c.1361T>C, p.Leu454Pro (NM_173054.3); short protein forms L454P.
Identifiers: ClinVar variation 995223 (VCV000995223.10), dbSNP rs1833139042, ClinGen allele CA368768174.
Genomic context (GRCh38, chr7:103,661,456, plus strand): 5'-AGGTTCCCATAACCGGTAGTGTCCATGGATGGAGTGCATAATTTCCTCTCTCCATCTTTG[A>G]GGAAGACCATTGATAAGCCTGATTCTATCGTTCCACATTCTGTACCAATGACAGCTCCCA-3'
Protein context (NP_005036.2, residues 444-464): TIESGLSMVF[Leu454Pro]KDGERKLCTP

ClinVar aggregate classification (germline): Uncertain significance. Review status: criteria provided, multiple submitters, no conflicts (2 of 4 stars). 2 submissions from 2 submitters: Uncertain significance (2). Last evaluated 2020-11-23.

Conditions:
Norman-Roberts syndrome (LIS2). Also called: Lissencephaly 2 (Norman-Roberts type). Identifiers: Orphanet 89844, MedGen C0796089, MONDO:0009760, OMIM 257320.
Familial temporal lobe epilepsy 7. Identifiers: Orphanet 101046, MedGen C4225327, MONDO:0014639, OMIM 616436.

Allele frequency attached by ClinVar (database versions not stated): gnomAD exomes below 0.00001.
gnomAD v4.1: 1 of 1,613,760 alleles (0.000062%); highest among the groups gnomAD compares: Non-Finnish European, 0.000085%; no homozygotes.

Submissions (2):

Labcorp Genetics (formerly Invitae), Labcorp
Classification: Uncertain significance for Familial temporal lobe epilepsy 7; Norman-Roberts syndrome. Last evaluated: 2020-11-23. Review status: criteria provided, single submitter. Criteria: Invitae Variant Classification Sherloc (09022015). Collection method: clinical testing. Allele origin: germline.
Comment: In summary, the available evidence is currently insufficient to determine the role of this variant in disease. Therefore, it has been classified as a Variant of Uncertain Significance. Algorithms developed to predict the effect of missense changes on protein structure and function are either unavailable or do not agree on the potential impact of this missense change (SIFT: "Deleterious"; PolyPhen-2: "Probably Damaging"; Align-GVGD: "Class C0"). This variant has not been reported in the literature in individuals with RELN-related conditions. This variant is not present in population databases (ExAC no frequency). This sequence change replaces leucine with proline at codon 454 of the RELN protein (p.Leu454Pro). The leucine residue is moderately conserved and there is a moderate physicochemical difference between leucine and proline.

Athena Diagnostics
Classification: Uncertain significance. Last evaluated: 2019-11-20. Review status: criteria provided, single submitter. Criteria: Athena Diagnostics Criteria. Collection method: clinical testing. Allele origin: unknown.